The following is an entry in ClinVar:

ClinVar aggregate classification (germline): Uncertain significance (1 of 4 stars; one submission).

Conditions:
Inborn genetic diseases. Identifiers: MedGen C0950123, MeSH D030342.

gnomAD v4.1: 4 of 1,613,396 alleles (0.00025%); highest among the groups gnomAD compares: Non-Finnish European, 0.00017%; no homozygotes.

Submission:

Ambry Genetics
Classification: Uncertain significance for Inborn genetic diseases. Last evaluated: 2026-05-14. Review status: criteria provided, single submitter. Criteria: Ambry Variant Classification Scheme 2023. Collection method: clinical testing. Allele origin: germline.
Comment: The p.R1331K variant (also known as c.3992G>A), located in coding exon 1 of the SAMD9 gene, results from a G to A substitution at nucleotide position 3992. The arginine at codon 1331 is replaced by lysine, an amino acid with highly similar properties. This amino acid position is conserved. In addition, this alteration is predicted to be tolerated by in silico analysis. Based on the available evidence, the clinical significance of this variant remains unclear.

NM_017654.4(SAMD9):c.3992G>A (p.Arg1331Lys)

Gene: SAMD9 (sterile alpha motif domain containing 9; minus strand). Cytogenetic location: 7q21.2.
Variant type: single nucleotide variant.
Coding change: c.3992G>A on transcript NM_017654.4 (MANE Select); coding-DNA position 3992, G replaced by A.
Protein change: p.Arg1331Lys; replaces arginine 1331 with lysine.
Molecular consequence: missense variant.
Genome position (GRCh38, 1-based): chr7:93,102,106, C>T on the plus strand (G>A on the coding strand, the complement: SAMD9 is on the minus strand). VCF-style: chr7-93102106-C-T. GRCh37 (hg19) VCF-style: chr7-92731419-C-T.
Other names: c.3992G>A, p.Arg1331Lys (NM_001193307.2); short protein forms R1331K.
Identifiers: ClinVar variation 4863849 (VCV004863849.1).
Genomic context (GRCh38, chr7:93,102,106, plus strand): 5'-AGATATTCCAAGAGCCCAGAAAACTTGTCTGCTTTTAAAGCTACTAGGTTTCTCCTGCAT[C>T]TCTCTACTTGAAGTGGCTCACTGAACTTTGATCCAAGACCTGTGTTGTTTTGTGATTCTT-3'
Protein context (NP_060124.2, residues 1321-1341): SKFSEPLQVE[Arg1331Lys]CRRNLVALKA